The following is an entry in ClinVar:

NM_001813.3(CENPE):c.3372A>G (p.Glu1124=)

Gene: CENPE (centromere protein E; minus strand). Cytogenetic location: 4q24.
Variant type: single nucleotide variant.
Coding change: c.3372A>G on transcript NM_001813.3 (MANE Select); coding-DNA position 3372, A replaced by G.
Protein change: p.Glu1124=; no amino-acid change (glutamic acid 1124 retained).
Molecular consequence: synonymous variant.
Genome position (GRCh38, 1-based): chr4:103,151,243, T>C on the plus strand (A>G on the coding strand, the complement: CENPE is on the minus strand). VCF-style: chr4-103151243-T-C. GRCh37 (hg19) VCF-style: chr4-104072400-T-C.
Other names: c.3297A>G, p.Glu1099= (NM_001286734.2).
Identifiers: ClinVar variation 4823793 (VCV004823793.4).
Genomic context (GRCh38, chr4:103,151,243, plus strand): 5'-GAAAAAATGGCCAGGGAAATAACTTTAAAAATTCACCTTTTCCTTTAGTTTTTCTTCAAC[T>C]TCTGCCAGTCTGTCACAGGTCCTAGAAAGCTCTCCTTCTTTCTTTATGGCATGGTTCTTT-3'
Protein context (NP_001804.2, residues 1114-1134): ELSRTCDRLA[Glu1124=]VEEKLKEKSQ

ClinVar aggregate classification (germline): Likely benign (1 of 4 stars; one submission).

Submission:

CeGaT Center for Human Genetics Tuebingen
Classification: Likely benign. Last evaluated: 2026-03-01. Review status: criteria provided, single submitter. Criteria: CeGaT Center For Human Genetics Tuebingen Variant Classification Criteria Version 2. Collection method: clinical testing. Allele origin: germline. Affected: yes. Observed: 1 variant allele.
Comment: CENPE: BP4, BP7